The following is an entry in ClinVar:

ClinVar aggregate classification (germline): Likely benign (0 of 4 stars; one submission).

Conditions:
NRP1-related disorder. Also called: NRP1-related condition.

gnomAD v4.1: 2 of 1,612,968 alleles (0.00012%); highest among the groups gnomAD compares: Non-Finnish European, 0.00017%; no homozygotes.

Submission:

PreventionGenetics, part of Exact Sciences
Classification: Likely benign for NRP1-related condition. Last evaluated: 2023-07-12. Review status: no assertion criteria provided. Collection method: clinical testing. Allele origin: germline.
Comment: This variant is classified as likely benign based on ACMG/AMP sequence variant interpretation guidelines (Richards et al. 2015 PMID: 25741868, with internal and published modifications).

NM_003873.7(NRP1):c.*7A>G

Gene: NRP1 (neuropilin 1; minus strand). Cytogenetic location: 10p11.22.
Variant type: single nucleotide variant.
Coding change: c.*7A>G on transcript NM_003873.7 (MANE Select); 7 bases downstream of the stop codon, A replaced by G.
Molecular consequence: 3 prime UTR variant. On other transcripts: non-coding transcript variant (1).
Genome position (GRCh38, 1-based): chr10:33,180,069, T>C on the plus strand (A>G on the coding strand, the complement: NRP1 is on the minus strand). VCF-style: chr10-33180069-T-C. GRCh37 (hg19) VCF-style: chr10-33468997-T-C.
Other names: c.*7A>G (NM_001244972.2, NM_001244973.2, NM_001330068.2).
Identifiers: ClinVar variation 3350754 (VCV003350754.1).